The following is an entry in ClinVar:

ClinVar aggregate classification (germline): Pathogenic/Likely pathogenic. Review status: criteria provided, multiple submitters, no conflicts (2 of 4 stars). 3 submissions from 3 submitters: Pathogenic (1); Likely pathogenic (1). 1 of the submissions does not count toward it. Last evaluated 2021-06-07.

Conditions:
Keratitis fugax hereditaria. Also called: KERATOENDOTHELIITIS FUGAX HEREDITARIA. Identifiers: Orphanet 647815, MedGen C1835697, MONDO:0007849, OMIM 148200.
NLRP3-related disorder. Also called: NLRP3-Related Disorders; NLRP3-related condition.

Allele frequency attached by ClinVar (database versions not stated): gnomAD 0.00001; gnomAD exomes 0.00002 and 0.00003; ExAC 0.00006; 1000 Genomes Project 30x 0.00016; 1000 Genomes Project 0.00020.
gnomAD v4.1: 13 of 1,614,084 alleles (0.00081%); highest among the groups gnomAD compares: Non-Finnish European, 0.00017%; no homozygotes.

Submissions (3):

Blueprint Genetics
Classification: Pathogenic for NLRP3-related disorders. Last evaluated: 2021-06-07. Review status: criteria provided, single submitter. Criteria: ACMG Guidelines, 2015. Collection method: clinical testing. Allele origin: germline. Affected: yes. Observed: 4 variant alleles.

SIB Swiss Institute of Bioinformatics
Classification: Likely pathogenic for Keratitis fugax hereditaria. Last evaluated: 2018-10-15. Review status: criteria provided, single submitter. Criteria: ACMG Guidelines, 2015. Collection method: curation. Allele origin: unknown.
Comment: This variant is interpreted as Likely Pathogenic, for Keratitis fugax hereditaria, autosomal dominant. The following ACMG Tag(s) were applied: PP1-Strong => PP1 upgraded in strength to Strong (PubMed 29366613). PP3 => Multiple lines of computational evidence support a deleterious effect on the gene or gene product. PM1 => Located in a mutational hot spot and/or critical and well-established functional domain (e.g., active site of an enzyme) without benign variation. PM2-Supporting => PM2 downgraded in strength to Supporting.

OMIM
Classification: Pathogenic for KERATOENDOTHELIITIS FUGAX HEREDITARIA. Last evaluated: 2020-02-27. Review status: no assertion criteria provided. Collection method: literature only. Allele origin: germline. Not counted in ClinVar's aggregate classification.

Literature cited by the submitters: PubMed 29366613 (cited by SIB Swiss Institute of Bioinformatics and OMIM); PubMed 3604606 (cited by OMIM).

NM_001243133.2(NLRP3):c.55G>C (p.Asp19His)

Gene: NLRP3 (NLR family pyrin domain containing 3; plus strand). Cytogenetic location: 1q44.
Variant type: single nucleotide variant.
Coding change: c.55G>C on transcript NM_001243133.2 (MANE Select); coding-DNA position 55, G replaced by C.
Protein change: p.Asp19His; replaces aspartic acid 19 with histidine.
Molecular consequence: missense variant.
Genome position (GRCh38, 1-based): chr1:247,418,855, G>C. VCF-style: chr1-247418855-G-C. GRCh37 (hg19) VCF-style: chr1-247582157-G-C.
Other names: c.55G>C, p.Asp19His (NM_001079821.3, NM_001127461.3, NM_001127462.3 and 1 more transcripts); c.61G>C, p.Asp21His (NM_004895.5); short protein forms D21H, D19H.
Identifiers: ClinVar variation 495298 (VCV000495298.4), dbSNP rs200154873, ClinGen allele CA1494741.